The following is an entry in ClinVar:

NM_024896.3(ERMP1):c.179C>T (p.Ala60Val)

Genes: ERMP1 (endoplasmic reticulum metallopeptidase 1; minus strand), LOC130001518 (ATAC-STARR-seq lymphoblastoid silent region 19755; plus strand). Cytogenetic location: 9p24.1.
Variant type: single nucleotide variant.
Coding change: c.179C>T on transcript NM_024896.3 (MANE Select); coding-DNA position 179, C replaced by T.
Protein change: p.Ala60Val; replaces alanine 60 with valine.
Molecular consequence: missense variant.
Genome position (GRCh38, 1-based): chr9:5,832,849, G>A on the plus strand (C>T on the coding strand, the complement: ERMP1 is on the minus strand). VCF-style: chr9-5832849-G-A. GRCh37 (hg19) VCF-style: chr9-5832849-G-A.
Other names: c.179C>T, p.Ala60Val (NM_001410952.1); short protein forms A60V.
Identifiers: ClinVar variation 2659055 (VCV002659055.24), dbSNP rs528252782, ClinGen allele CA4976299.

ClinVar aggregate classification (germline): Likely benign (1 of 4 stars; one submission).

Allele frequency attached by ClinVar (database versions not stated): 1000 Genomes Project 30x 0.00328; 1000 Genomes Project 0.00399; gnomAD 0.00605; TOPMed 0.00647; ExAC 0.01006.
gnomAD v4.1: 10,175 of 1,504,902 alleles (0.68%); highest among the groups gnomAD compares: Admixed American, 0.89%; 45 homozygotes.

Submission:

CeGaT Center for Human Genetics Tuebingen
Classification: Likely benign. Last evaluated: 2023-03-01. Review status: criteria provided, single submitter. Criteria: CeGaT Center For Human Genetics Tuebingen Variant Classification Criteria Version 2. Collection method: clinical testing. Allele origin: germline. Affected: yes. Observed: 1 variant allele.
Comment: ERMP1: BS2